The following is an entry in ClinVar:

ClinVar aggregate classification (germline): Likely benign. Review status: criteria provided, multiple submitters, no conflicts (2 of 4 stars). 2 submissions from 2 submitters: Likely benign (2). Last evaluated 2026-03-01.

gnomAD v4.1: 1,212 of 1,541,250 alleles (0.079%); highest among the groups gnomAD compares: African/African-American, 1.5%; 8 homozygotes.

Submissions (2):

CeGaT Center for Human Genetics Tuebingen
Classification: Likely benign. Last evaluated: 2026-03-01. Review status: criteria provided, single submitter. Criteria: CeGaT Center For Human Genetics Tuebingen Variant Classification Criteria Version 2. Collection method: clinical testing. Allele origin: germline. Affected: yes. Observed: 2 variant alleles.
Comment: BICRA: BP4, BP7, BS1

Blueprint Genetics
Classification: Likely benign. Last evaluated: 2024-10-22. Review status: criteria provided, single submitter. Criteria: ACMG Guidelines, 2015. Collection method: clinical testing. Allele origin: germline.

NM_001394372.1(BICRA):c.2943C>T (p.Ala981=)

Gene: BICRA (BRD4 interacting chromatin remodeling complex associated protein; plus strand). Cytogenetic location: 19q13.33.
Variant type: single nucleotide variant.
Coding change: c.2943C>T on transcript NM_001394372.1 (MANE Select); coding-DNA position 2943, C replaced by T.
Protein change: p.Ala981=; no amino-acid change (alanine 981 retained).
Molecular consequence: synonymous variant.
Genome position (GRCh38, 1-based): chr19:47,694,947, C>T. VCF-style: chr19-47694947-C-T. GRCh37 (hg19) VCF-style: chr19-48198204-C-T.
Other names: c.2943C>T, p.Ala981= (NM_015711.3).
Identifiers: ClinVar variation 4083975 (VCV004083975.9).